The following is an entry in ClinVar:

ClinVar aggregate classification (germline): Uncertain significance (1 of 4 stars; one submission).

Submission:

Ambry Genetics
Classification: Uncertain significance. Last evaluated: 2024-03-29. Review status: criteria provided, single submitter. Criteria: Ambry Variant Classification Scheme 2023. Collection method: clinical testing. Allele origin: germline.
Comment: The p.R227H variant (also known as c.680G>A), located in coding exon 1 of the EGLN1 gene, results from a G to A substitution at nucleotide position 680. The arginine at codon 227 is replaced by histidine, an amino acid with highly similar properties. This amino acid position is conserved. In addition, this alteration is predicted to be tolerated by in silico analysis. Since supporting evidence is limited at this time, the clinical significance of this alteration remains unclear.

NM_022051.3(EGLN1):c.680G>A (p.Arg227His)

Gene: EGLN1 (egl-9 family hypoxia inducible factor 1; minus strand). Cytogenetic location: 1q42.2.
Variant type: single nucleotide variant.
Coding change: c.680G>A on transcript NM_022051.3 (MANE Select); coding-DNA position 680, G replaced by A.
Protein change: p.Arg227His; replaces arginine 227 with histidine.
Molecular consequence: missense variant.
Genome position (GRCh38, 1-based): chr1:231,421,209, C>T on the plus strand (G>A on the coding strand, the complement: EGLN1 is on the minus strand). VCF-style: chr1-231421209-C-T. GRCh37 (hg19) VCF-style: chr1-231556955-C-T.
Other names: c.680G>A, p.Arg227His (NM_001377260.1, NM_001377261.1); short protein forms R227H.
Identifiers: ClinVar variation 1755567 (VCV001755567.3), dbSNP rs2527358990, ClinGen allele CA345235929.